The following is an entry in ClinVar:

ClinVar aggregate classification (germline): Uncertain significance (1 of 4 stars; one submission).

Allele frequency attached by ClinVar (database versions not stated): gnomAD exomes below 0.00001.

Submission:

Ambry Genetics
Classification: Uncertain significance. Last evaluated: 2023-10-06. Review status: criteria provided, single submitter. Criteria: Ambry Variant Classification Scheme 2023. Collection method: clinical testing. Allele origin: germline.
Comment: The p.T430I variant (also known as c.1289C>T), located in coding exon 13 of the NPAT gene, results from a C to T substitution at nucleotide position 1289. The threonine at codon 430 is replaced by isoleucine, an amino acid with similar properties. This amino acid position is conserved. In addition, this alteration is predicted to be tolerated by in silico analysis. Since supporting evidence is limited at this time, the clinical significance of this alteration remains unclear.

NM_002519.3(NPAT):c.1289C>T (p.Thr430Ile)

Gene: NPAT (nuclear protein, coactivator of histone transcription; minus strand). Cytogenetic location: 11q22.3.
Variant type: single nucleotide variant.
Coding change: c.1289C>T on transcript NM_002519.3 (MANE Select); coding-DNA position 1289, C replaced by T.
Protein change: p.Thr430Ile; replaces threonine 430 with isoleucine.
Molecular consequence: missense variant.
Genome position (GRCh38, 1-based): chr11:108,173,695, G>A on the plus strand (C>T on the coding strand, the complement: NPAT is on the minus strand). VCF-style: chr11-108173695-G-A. GRCh37 (hg19) VCF-style: chr11-108044422-G-A.
Other names: c.1289C>T, p.Thr430Ile (NM_001321307.1); short protein forms T430I.
Identifiers: ClinVar variation 3222457 (VCV003222457.1), dbSNP rs2496721874, ClinGen allele CA382515725.